The following is an entry in ClinVar:

NM_033100.4(CDHR1):c.1036C>T (p.Leu346Phe)

Gene: CDHR1 (cadherin related family member 1; plus strand). Cytogenetic location: 10q23.1.
Variant type: single nucleotide variant.
Coding change: c.1036C>T on transcript NM_033100.4 (MANE Select); coding-DNA position 1036, C replaced by T.
Protein change: p.Leu346Phe; replaces leucine 346 with phenylalanine.
Molecular consequence: missense variant.
Genome position (GRCh38, 1-based): chr10:84,208,246, C>T. VCF-style: chr10-84208246-C-T. GRCh37 (hg19) VCF-style: chr10-85968002-C-T.
Other names: c.1036C>T, p.Leu346Phe (NM_001171971.3); short protein forms L346F.
Identifiers: ClinVar variation 2123347 (VCV002123347.4), dbSNP rs1564662282, ClinGen allele CA377374516.

ClinVar aggregate classification (germline): Uncertain significance (1 of 4 stars; one submission).

Allele frequency attached by ClinVar (database versions not stated): gnomAD exomes below 0.00001.

Submission:

Labcorp Genetics (formerly Invitae), Labcorp
Classification: Uncertain significance. Last evaluated: 2022-04-12. Review status: criteria provided, single submitter. Criteria: Invitae Variant Classification Sherloc (09022015). Collection method: clinical testing. Allele origin: germline.
Comment: In summary, the available evidence is currently insufficient to determine the role of this variant in disease. Therefore, it has been classified as a Variant of Uncertain Significance. Advanced modeling of protein sequence and biophysical properties (such as structural, functional, and spatial information, amino acid conservation, physicochemical variation, residue mobility, and thermodynamic stability) performed at Invitae indicates that this missense variant is not expected to disrupt CDHR1 protein function. This variant has not been reported in the literature in individuals affected with CDHR1-related conditions. This variant is not present in population databases (gnomAD no frequency). This sequence change replaces leucine, which is neutral and non-polar, with phenylalanine, which is neutral and non-polar, at codon 346 of the CDHR1 protein (p.Leu346Phe).